The following is an entry in ClinVar:

ClinVar aggregate classification (germline): Uncertain significance. Review status: criteria provided, multiple submitters, no conflicts (2 of 4 stars). 2 submissions from 2 submitters: Uncertain significance (2). Last evaluated 2023-10-02.

Conditions:
Inborn genetic diseases. Identifiers: MedGen C0950123, MeSH D030342.
Sulfite oxidase deficiency. Also called: Isolated sulfite oxidase deficiency. Identifiers: Orphanet 833, Orphanet 99731, MedGen C0268624, MONDO:0010089, OMIM 272300, HP:0003643.

Submissions (2):

Ambry Genetics
Classification: Uncertain significance for Inborn genetic diseases. Last evaluated: 2023-10-02. Review status: criteria provided, single submitter. Criteria: Ambry Variant Classification Scheme 2023. Collection method: clinical testing. Allele origin: germline.

Labcorp Genetics (formerly Invitae), Labcorp
Classification: Uncertain significance for Sulfite oxidase deficiency. Last evaluated: 2019-12-04. Review status: criteria provided, single submitter. Criteria: Invitae Variant Classification Sherloc (09022015). Collection method: clinical testing. Allele origin: germline.
Comment: This sequence change replaces valine with leucine at codon 67 of the SUOX protein (p.Val67Leu). The valine residue is moderately conserved and there is a small physicochemical difference between valine and leucine. This variant is not present in population databases (ExAC no frequency). This variant has not been reported in the literature in individuals with SUOX-related conditions. Algorithms developed to predict the effect of missense changes on protein structure and function (SIFT, PolyPhen-2, Align-GVGD) all suggest that this variant is likely to be tolerated, but these predictions have not been confirmed by published functional studies and their clinical significance is uncertain. In summary, the available evidence is currently insufficient to determine the role of this variant in disease. Therefore, it has been classified as a Variant of Uncertain Significance.

NM_001032386.2(SUOX):c.199G>C (p.Val67Leu)

Gene: SUOX (sulfite oxidase; plus strand). Cytogenetic location: 12q13.2.
Variant type: single nucleotide variant.
Coding change: c.199G>C on transcript NM_001032386.2 (MANE Select); coding-DNA position 199, G replaced by C.
Protein change: p.Val67Leu; replaces valine 67 with leucine.
Molecular consequence: missense variant.
Genome position (GRCh38, 1-based): chr12:56,002,691, G>C. VCF-style: chr12-56002691-G-C. GRCh37 (hg19) VCF-style: chr12-56396475-G-C.
Other names: c.199G>C, p.Val67Leu (NM_000456.3, NM_001032387.2); short protein forms V67L.
Identifiers: ClinVar variation 836283 (VCV000836283.12), dbSNP rs1890578723, ClinGen allele CA385279793.
Genomic context (GRCh38, chr12:56,002,691, plus strand): 5'-GGTGATAACTCCAGCACCCAGGGATGGAGAGTCATGGGGACCCTATTAGGTCTCGGTGCA[G>C]TGTTGGCCTATCAGGACCATCGGTGTAGGGTAAGTAGGGAAAGTGCTTCATTGTCAGAAC-3'
Protein context (NP_001027558.1, residues 57-77): VMGTLLGLGA[Val67Leu]LAYQDHRCRA